The following is an entry in ClinVar:

NM_000432.4(MYL2):c.247C>T (p.Leu83Phe)

Gene: MYL2 (myosin light chain 2; minus strand). Cytogenetic location: 12q24.11.
Variant type: single nucleotide variant.
Coding change: c.247C>T on transcript NM_000432.4 (MANE Select); coding-DNA position 247, C replaced by T.
Protein change: p.Leu83Phe; replaces leucine 83 with phenylalanine.
Molecular consequence: missense variant.
Genome position (GRCh38, 1-based): chr12:110,914,213, G>A on the plus strand (C>T on the coding strand, the complement: MYL2 is on the minus strand). VCF-style: chr12-110914213-G-A. GRCh37 (hg19) VCF-style: chr12-111352017-G-A.
Other names: c.205C>T, p.Leu69Phe (NM_001406745.1, NM_001406746.1); c.190C>T, p.Leu64Phe (NM_001406916.1); short protein forms L69F, L64F, L83F.
Identifiers: ClinVar variation 1791890 (VCV001791890.4), dbSNP rs2071673990, ClinGen allele CA386698696.

ClinVar aggregate classification (germline): Uncertain significance. Review status: criteria provided, multiple submitters, no conflicts (2 of 4 stars). 3 submissions from 3 submitters: Uncertain significance (3). Last evaluated 2026-01-11.

Conditions:
Cardiovascular phenotype. Identifiers: MedGen CN230736.
Hypertrophic cardiomyopathy 10. Also called: CARDIOMYOPATHY, HYPERTROPHIC, MID-LEFT VENTRICULAR CHAMBER TYPE, 2; MYL2-Related Familial Hypertrophic Cardiomyopathy. Identifiers: MedGen C1834460, MONDO:0012112, OMIM 608758.
Hypertrophic cardiomyopathy. Also called: HYPERTROPHIC MYOCARDIOPATHY. Identifiers: Orphanet 217569, MedGen C0007194, MeSH D002312, MONDO:0005045, HP:0001639.

Allele frequency attached by ClinVar (database versions not stated): TOPMed below 0.00001; gnomAD exomes 0.00001.

Submissions (3):

Labcorp Genetics (formerly Invitae), Labcorp
Classification: Uncertain significance for Hypertrophic cardiomyopathy 10. Last evaluated: 2026-01-11. Review status: criteria provided, single submitter. Criteria: Invitae Variant Classification Sherloc (09022015). Collection method: clinical testing. Allele origin: germline.
Comment: This sequence change replaces leucine, which is neutral and non-polar, with phenylalanine, which is neutral and non-polar, at codon 83 of the MYL2 protein (p.Leu83Phe). This variant is not present in population databases (gnomAD no frequency). This missense change has been observed in individual(s) with clinical features of MYL2-related conditions (PMID: 29447731). ClinVar contains an entry for this variant (Variation ID: 1791890). An algorithm developed to predict the effect of missense changes on protein structure and function (PolyPhen-2) suggests that this variant is likely to be disruptive. In summary, the available evidence is currently insufficient to determine the role of this variant in disease. Therefore, it has been classified as a Variant of Uncertain Significance.

All of Us Research Program, National Institutes of Health
Classification: Uncertain significance for Hypertrophic cardiomyopathy. Last evaluated: 2024-08-13. Review status: criteria provided, single submitter. Criteria: ACMG Guidelines, 2015. Collection method: clinical testing. Allele origin: germline. Inheritance: Autosomal dominant inheritance. Observed: 1 variant allele, 1 heterozygote.
Comment: This missense variant replaces leucine with phenylalanine at codon 83 of the MYL2 protein. Computational prediction tools indicate that this variant has a deleterious impact on protein structure and function. To our knowledge, functional studies have not been reported for this variant. This variant has been reported in an individual affected with left ventricular noncompaction cardiomyopathy (PMID: 29447731, 33500567). This variant has not been identified in the general population by the Genome Aggregation Database (gnomAD). The available evidence is insufficient to determine the role of this variant in disease conclusively. Therefore, this variant is classified as a Variant of Uncertain Significance.

This study involves interpretation of variants in research participants for the purpose of population health screening. Participant phenotype was not available at the time of variant classification. Additional details can be found in publication PMID: 35346344, PMCID: PMC8962531

Ambry Genetics
Classification: Uncertain significance for Cardiovascular phenotype. Last evaluated: 2021-03-22. Review status: criteria provided, single submitter. Criteria: Ambry Variant Classification Scheme 2023. Collection method: clinical testing. Allele origin: germline.
Comment: The p.L83F variant (also known as c.247C>T), located in coding exon 4 of the MYL2 gene, results from a C to T substitution at nucleotide position 247. The leucine at codon 83 is replaced by phenylalanine, an amino acid with highly similar properties. This amino acid position is highly conserved in available vertebrate species. In addition, this alteration is predicted to be deleterious by in silico analysis. Since supporting evidence is limited at this time, the clinical significance of this alteration remains unclear.

Literature cited by the submitters: PubMed 29447731 (cited by Labcorp Genetics (formerly Invitae), Labcorp and All of Us Research Program, National Institutes of Health); PubMed 33500567 (cited by All of Us Research Program, National Institutes of Health).